The following is an entry in ClinVar:

ClinVar aggregate classification (germline): Pathogenic (3 of 4 stars; one submission).

Conditions:
CYP1B1-related glaucoma with or without anterior segment dysgenesis. Identifiers: MedGen CN375931, MONDO:0800472.

Submission:

ClinGen Glaucoma Variant Curation Expert Panel
Classification: Pathogenic for CYP1B1-related glaucoma with or without anterior segment dysgenesis. Last evaluated: 2026-10-27. Review status: reviewed by expert panel. Criteria: ClinGen Glaucoma ACMG Specifications CYP1B1 V2.0. Collection method: curation. Allele origin: germline. Inheritance: Autosomal recessive inheritance.
Comment: The c.1391del variant in CYP1B1 is predicted to cause a change in the length of the protein due to the insertion of a terminating codon instead of the usual Serine at amino acid 464 (p.Ser464Ter). This variant was not found in any genetic ancestry group of gnomAD (v4.1), meeting the ≤ 0.0005 threshold set for PM2_Supporting in a genetic ancestry group of at least 2,000 alleles. This nonsense variant was not predicted to undergo NMD but removes the haem-binding domain (PVS1 met). There was no functional evidence predicting a damaging or benign impact of this variant on CYP1B1 function. This variant has been identified in an individual with a CYP1B1-related phenotype. Total proband points = 0.5, meeting PM3_Supporting. In summary, this variant met the criteria to receive a score of 10 and to be classified as pathogenic (pathogenic classification ≥ 10, adapted from PMID: 32720330) for CYP1B1-related glaucoma with or without anterior segment dysgenesis (ASD) based on the ACMG/AMP criteria met, as specified by the ClinGen Glaucoma VCEP (v2.0, 16.07.2026): PVS1, PM2_Supporting, PM3_Supporting

NM_000104.4(CYP1B1):c.1391del (p.Phe463_Ser464insTer)

Genes: CYP1B1 (cytochrome P450 family 1 subfamily B member 1; minus strand), LOC128772254 (melanoma risk locus-associated MPRA allelic enhancer 2:38298139; plus strand). Cytogenetic location: 2p22.2.
Variant type: Deletion.
Coding change: c.1391del on transcript NM_000104.4 (MANE Select); coding-DNA position 1391, one base deleted (C; older notation c.1391delC).
Protein change: p.Phe463_Ser464insTer.
Molecular consequence: nonsense.
Genome position (GRCh38, 1-based): chr2:38,070,963, G deleted on the plus strand (C on the coding strand, the reverse complement: CYP1B1 is on the minus strand). VCF-style (leftmost placement, unchanged base first): chr2-38070962-TG-T. GRCh37 (hg19) VCF-style: chr2-38298105-TG-T.
Other names: NM_000104.4:c.1391del.
Identifiers: ClinVar variation 5037944 (VCV005037944.1).